The following is an entry in ClinVar:

NM_002230.4(JUP):c.631_633del (p.Asn211del)

Gene: JUP (junction plakoglobin; minus strand). Cytogenetic location: 17q21.2.
Variant type: Deletion.
Coding change: c.631_633del on transcript NM_002230.4 (MANE Select); coding-DNA positions 631 to 633, 3 bases deleted (AAC; older notation c.631_633delAAC).
Protein change: p.Asn211del; deletes asparagine 211.
Molecular consequence: inframe deletion.
Genome position (GRCh38, 1-based): chr17:41,769,043-41,769,045, GTT deleted on the plus strand (AAC on the coding strand, the reverse complement: JUP is on the minus strand); deleting any 3 consecutive bases within chr17:41,769,043-41,769,047 gives the same sequence; the c. name uses the placement nearest the transcript's 3' end. VCF-style (leftmost placement, unchanged base first): chr17-41769042-GGTT-G. GRCh37 (hg19) VCF-style: chr17-39925294-GGTT-G.
Other names: c.631_633delAAC (NM_002230.2); c.631_633del, p.Asn211del (NM_001352773.2, NM_001352774.2, NM_001352775.2 and 3 more transcripts); short protein forms N211del.
Identifiers: ClinVar variation 934502 (VCV000934502.11), dbSNP rs1916151526, ClinGen allele CA1139665536.
Genomic context (GRCh38, chr17:41,769,042, plus strand): 5'-CCAGAGCAGGGATGCCACCCGACTTGAAGATGGCGAGCAGCCCCTCCCGGTGGTGGGAGA[GGTT>G]GTGCAGGATGCTGGTGGTGCAGCGGGCTGTGTCCAGGTCGCTGGTATTCTGCATGGTACG-3'

ClinVar aggregate classification (germline): Uncertain significance. Review status: criteria provided, multiple submitters, no conflicts (2 of 4 stars). 2 submissions from 2 submitters: Uncertain significance (2). Last evaluated 2024-08-15.

Conditions:
Cardiovascular phenotype. Identifiers: MedGen CN230736.
Arrhythmogenic right ventricular dysplasia 12. Also called: ARRHYTHMOGENIC RIGHT VENTRICULAR DYSPLASIA, FAMILIAL, 12. Identifiers: MedGen C1969081, MONDO:0012684, OMIM 611528.
Naxos disease (NXD). Also called: KERATOSIS PALMOPLANTARIS WITH ARRHYTHMOGENIC CARDIOMYOPATHY; MAL DE NAXOS; WOOLLY HAIR, PALMOPLANTAR KERATODERMA, AND CARDIAC ABNORMALITIES; CARDIOMYOPATHY, ARRHYTHMOGENIC RIGHT VENTRICULAR, WITH SKIN, HAIR, AND NAIL ABNORMALITIES; PALMOPLANTAR KERATODERMA WITH ARRHYTHMOGENIC RIGHT VENTRICULAR CARDIOMYOPATHY AND WOOLLY HAIR. Identifiers: Orphanet 34217, MedGen C1832600, MONDO:0011017, OMIM 601214.

Submissions (2):

Labcorp Genetics (formerly Invitae), Labcorp
Classification: Uncertain significance for Arrhythmogenic right ventricular dysplasia 12; Naxos disease. Last evaluated: 2024-08-15. Review status: criteria provided, single submitter. Criteria: Invitae Variant Classification Sherloc (09022015). Collection method: clinical testing. Allele origin: germline.
Comment: This variant, c.631_633del, results in the deletion of 1 amino acid(s) of the JUP protein (p.Asn211del), but otherwise preserves the integrity of the reading frame. This variant is not present in population databases (gnomAD no frequency). This variant has not been reported in the literature in individuals affected with JUP-related conditions. ClinVar contains an entry for this variant (Variation ID: 934502). Experimental studies and prediction algorithms are not available or were not evaluated, and the functional significance of this variant is currently unknown. In summary, the available evidence is currently insufficient to determine the role of this variant in disease. Therefore, it has been classified as a Variant of Uncertain Significance.

Ambry Genetics
Classification: Uncertain significance for Cardiovascular phenotype. Last evaluated: 2020-03-27. Review status: criteria provided, single submitter. Criteria: Ambry Variant Classification Scheme 2023. Collection method: clinical testing. Allele origin: germline.
Comment: The c.631_633delAAC variant (also known as p.N211del) is located in coding exon 3 of the JUP gene. This variant results from an in-frame AAC deletion at nucleotide positions 631 to 633. This results in the in-frame deletion of an asparagine residue at codon 211. This amino acid position is highly conserved in available vertebrate species. In addition, this alteration is predicted to be deleterious by in silico analysis (Choi Y et al. PLoS ONE. 2012; 7(10):e46688). Since supporting evidence is limited at this time, the clinical significance of this alteration remains unclear.